The following is an entry in ClinVar:

NM_001271.4(CHD2):c.294+112T>A

Gene: CHD2 (chromodomain helicase DNA binding protein 2; plus strand). Cytogenetic location: 15q26.1.
Variant type: single nucleotide variant.
Coding change: c.294+112T>A on transcript NM_001271.4 (MANE Select); 112 bases into the intron after coding-DNA position 294, T replaced by A.
Molecular consequence: intron variant.
Genome position (GRCh38, 1-based): chr15:92,924,664, T>A. VCF-style: chr15-92924664-T-A. GRCh37 (hg19) VCF-style: chr15-93467894-T-A.
Other names: c.294+112T>A (NM_001042572.3).
Identifiers: ClinVar variation 679124 (VCV000679124.2), dbSNP rs73456430, ClinGen allele CA274852856.

ClinVar aggregate classification (germline): Benign. Review status: criteria provided, multiple submitters, no conflicts (2 of 4 stars). 2 submissions from 2 submitters: Benign (2). Last evaluated 2018-06-19.

Allele frequency attached by ClinVar (database versions not stated): gnomAD 0.06081 and 0.06517; TOPMed 0.06665; 1000 Genomes Project 0.07089; 1000 Genomes Project 30x 0.07901.
gnomAD v4.1: 14,410 of 837,400 alleles (1.7%); highest among the groups gnomAD compares: African/African-American, 21%; 1,327 homozygotes.

Submissions (2):

GeneDx
Classification: Benign. Last evaluated: 2018-06-19. Review status: criteria provided, single submitter. Criteria: GeneDx Variant Classification (06012015). Collection method: clinical testing. Allele origin: germline. Affected: yes.
Comment: This variant is considered likely benign or benign based on one or more of the following criteria: it is a conservative change, it occurs at a poorly conserved position in the protein, it is predicted to be benign by multiple in silico algorithms, and/or has population frequency not consistent with disease.

Breakthrough Genomics
Classification: Benign. Review status: criteria provided, single submitter. Criteria: ACMG Guidelines, 2015. Collection method: not provided. Allele origin: germline. Inheritance: Autosomal dominant inheritance. Affected: yes.